The following is an entry in ClinVar:

ClinVar aggregate classification (germline): Likely benign. Review status: criteria provided, multiple submitters, no conflicts (2 of 4 stars). 3 submissions from 3 submitters: Likely benign (3). Last evaluated 2025-03-04.

Allele frequency attached by ClinVar (database versions not stated): TOPMed 0.00003; gnomAD 0.00011; 1000 Genomes Project 30x 0.00016; ExAC 0.00059.
gnomAD v4.1: 338 of 1,611,942 alleles (0.021%); highest among the groups gnomAD compares: South Asian, 0.27%; 2 homozygotes.

Submissions (4):

Center for Genomic Medicine, Rigshospitalet, Copenhagen University Hospital
Classification: Likely benign. Last evaluated: 2025-03-04. Review status: criteria provided, single submitter. Criteria: ACMG Guidelines, 2015. Collection method: clinical testing. Allele origin: germline.

Blueprint Genetics
Classification: Likely benign. Last evaluated: 2024-10-23. Review status: criteria provided, single submitter. Criteria: ACMG Guidelines, 2015. Collection method: clinical testing. Allele origin: germline.

CeGaT Center for Human Genetics Tuebingen
Classification: Likely benign. Last evaluated: 2024-10-01. Review status: criteria provided, single submitter. Criteria: CeGaT Center For Human Genetics Tuebingen Variant Classification Criteria Version 2. Collection method: clinical testing. Allele origin: germline. Affected: yes. Observed: 1 variant allele.
Comment: POLD1: BS1

Dr. Peter K. Rogan Lab, Western University
No classification provided (evidence only). Condition: Malignant tumor of urinary bladder. Review status: no classification provided. Collection method: in vitro. Allele origin: not applicable. Functional consequence: retained intron. Not counted in ClinVar's aggregate classification.

NM_002691.4(POLD1):c.1776-23G>A

Gene: POLD1 (DNA polymerase delta 1, catalytic subunit; plus strand). Cytogenetic location: 19q13.33.
Variant type: single nucleotide variant.
Coding change: c.1776-23G>A on transcript NM_002691.4 (MANE Select); 23 bases into the intron before coding-DNA position 1776, G replaced by A.
Molecular consequence: intron variant. On other transcripts: missense variant (1).
Genome position (GRCh38, 1-based): chr19:50,408,762, G>A. VCF-style: chr19-50408762-G-A. GRCh37 (hg19) VCF-style: chr19-50912019-G-A.
Other names: NC_000019.9:g.50912019G>A; c.1831G>A, p.Gly611Ser (NM_001308632.1); c.1776-23G>A (NM_001256849.1); short protein forms G611S.
Identifiers: ClinVar variation 2576350 (VCV002576350.18), dbSNP rs558663919, ClinGen allele CA9596275.